The following is an entry in ClinVar:

NM_031407.7(HUWE1):c.10125C>T (p.Cys3375=)

Gene: HUWE1 (HECT, UBA and WWE domain containing E3 ubiquitin protein ligase 1; minus strand). Cytogenetic location: Xp11.22.
Variant type: single nucleotide variant.
Coding change: c.10125C>T on transcript NM_031407.7 (MANE Select); coding-DNA position 10125, C replaced by T.
Protein change: p.Cys3375=; no amino-acid change (cysteine 3375 retained).
Molecular consequence: synonymous variant.
Genome position (GRCh38, 1-based): chrX:53,548,184, G>A on the plus strand (C>T on the coding strand, the complement: HUWE1 is on the minus strand). VCF-style: chrX-53548184-G-A. GRCh37 (hg19) VCF-style: chrX-53575145-G-A.
Other names: c.10122C>T, p.Cys3374= (NM_001441053.1, NM_001441056.1, NM_001441058.1 and 2 more transcripts); c.10125C>T, p.Cys3375= (NM_001441054.1, NM_001441057.1, NM_001441049.1); c.10146C>T, p.Cys3382= (NM_001441055.1, NM_001441050.1); c.9723C>T, p.Cys3241= (NM_001441052.1).
Identifiers: ClinVar variation 4534505 (VCV004534505.6).

ClinVar aggregate classification (germline): Likely benign (1 of 4 stars; one submission).

gnomAD v4.1: 3 of 1,207,787 alleles (0.00025%); highest among the groups gnomAD compares: South Asian, 0.0018%; no homozygotes.

Submission:

CeGaT Center for Human Genetics Tuebingen
Classification: Likely benign. Last evaluated: 2025-11-01. Review status: criteria provided, single submitter. Criteria: CeGaT Center For Human Genetics Tuebingen Variant Classification Criteria Version 2. Collection method: clinical testing. Allele origin: germline. Affected: yes. Observed: 1 variant allele.
Comment: HUWE1: BP4, BP7